The following is an entry in ClinVar:

NM_001939.3(DRP2):c.1019G>A (p.Arg340Gln)

Gene: DRP2 (dystrophin related protein 2; plus strand). Cytogenetic location: Xq22.1.
Variant type: single nucleotide variant.
Coding change: c.1019G>A on transcript NM_001939.3 (MANE Select); coding-DNA position 1019, G replaced by A.
Protein change: p.Arg340Gln; replaces arginine 340 with glutamine.
Molecular consequence: missense variant.
Genome position (GRCh38, 1-based): chrX:101,242,947, G>A. VCF-style: chrX-101242947-G-A. GRCh37 (hg19) VCF-style: chrX-100497936-G-A.
Other names: c.785G>A, p.Arg262Gln (NM_001171184.2); short protein forms R262Q, R340Q.
Identifiers: ClinVar variation 1720200 (VCV001720200.5), dbSNP rs1218972051, ClinGen allele CA413920218.

ClinVar aggregate classification (germline): Uncertain significance (1 of 4 stars; one submission).

Allele frequency attached by ClinVar (database versions not stated): gnomAD exomes 0.00001.
gnomAD v4.1: 10 of 1,210,986 alleles (0.00083%); highest among the groups gnomAD compares: South Asian, 0.0018%; no homozygotes.

Submission:

Labcorp Genetics (formerly Invitae), Labcorp
Classification: Uncertain significance. Last evaluated: 2022-09-23. Review status: criteria provided, single submitter. Criteria: Invitae Variant Classification Sherloc (09022015). Collection method: clinical testing. Allele origin: germline.
Comment: Advanced modeling of protein sequence and biophysical properties (such as structural, functional, and spatial information, amino acid conservation, physicochemical variation, residue mobility, and thermodynamic stability) performed at Invitae indicates that this missense variant is not expected to disrupt DRP2 protein function. In summary, the available evidence is currently insufficient to determine the role of this variant in disease. Therefore, it has been classified as a Variant of Uncertain Significance. This sequence change replaces arginine, which is basic and polar, with glutamine, which is neutral and polar, at codon 340 of the DRP2 protein (p.Arg340Gln). The frequency data for this variant in the population databases is considered unreliable, as metrics indicate poor data quality at this position in the gnomAD database. This variant has not been reported in the literature in individuals affected with DRP2-related conditions.